The following is an entry in ClinVar:

ClinVar aggregate classification (germline): Pathogenic (1 of 4 stars; one submission).

Submission:

Labcorp Genetics (formerly Invitae), Labcorp
Classification: Pathogenic. Last evaluated: 2023-09-14. Review status: criteria provided, single submitter. Criteria: Invitae Variant Classification Sherloc (09022015). Collection method: clinical testing. Allele origin: unknown.
Comment: For these reasons, this variant has been classified as Pathogenic. This variant has not been reported in the literature in individuals affected with PCDH15-related conditions. This variant is a gross deletion of the genomic region encompassing exon(s) 14 of the PCDH15 gene. This deletion is out-of-frame, and is expected to create a premature termination codon and result in an absent or disrupted protein product. Loss-of-function variants in PCDH15 are known to be pathogenic (PMID: 11398101, 11487575, 14570705).

Literature cited by the submitters: PubMed 11398101; PubMed 11487575; PubMed 14570705.

NC_000010.10:g.(?_55912840)_(55913073_?)del

Gene: PCDH15 (protocadherin related 15; minus strand). Cytogenetic location: 10q21.1.
Variant type: Deletion.
Identifiers: ClinVar variation 3245013 (VCV003245013.1).